The following is an entry in ClinVar:

NM_001793.6(CDH3):c.*3G>T

Gene: CDH3 (cadherin 3; plus strand). Cytogenetic location: 16q22.1.
Variant type: single nucleotide variant.
Coding change: c.*3G>T on transcript NM_001793.6 (MANE Select); 3 bases downstream of the stop codon, G replaced by T.
Molecular consequence: 3 prime UTR variant.
Genome position (GRCh38, 1-based): chr16:68,698,403, G>T. VCF-style: chr16-68698403-G-T. GRCh37 (hg19) VCF-style: chr16-68732306-G-T.
Other names: c.*236G>T (NM_001317195.3); c.*3G>T (NM_001317196.2, NM_001793.5).
Identifiers: ClinVar variation 888063 (VCV000888063.6), dbSNP rs372478072, ClinGen allele CA8129756.

ClinVar aggregate classification (germline): Uncertain significance. Review status: criteria provided, single submitter (1 of 4 stars). 2 submissions from 2 submitters: Uncertain significance (1). 1 of the submissions does not count toward it. Last evaluated 2018-01-13.

Conditions:
CDH3-related disorder. Also called: CDH3-related condition.
EEM syndrome (EEMS). Identifiers: Orphanet 1897, MedGen C1857041, MONDO:0009155, OMIM 225280.

Allele frequency attached by ClinVar (database versions not stated): gnomAD 0.00016 and 0.00017; TOPMed 0.00016; ESP Exome Variant Server 0.00031.
gnomAD v4.1: 513 of 1,613,300 alleles (0.032%); highest among the groups gnomAD compares: Non-Finnish European, 0.043%; no homozygotes.

Submissions (2):

Illumina Laboratory Services, Illumina
Classification: Uncertain significance for EEM syndrome. Last evaluated: 2018-01-13. Review status: criteria provided, single submitter. Criteria: ICSL Variant Classification Criteria 13 December 2019. Collection method: clinical testing. Allele origin: germline.

PreventionGenetics, part of Exact Sciences
Classification: Likely benign for CDH3-related condition. Last evaluated: 2019-04-02. Review status: no assertion criteria provided. Collection method: clinical testing. Allele origin: germline. Not counted in ClinVar's aggregate classification.
Comment: This variant is classified as likely benign based on ACMG/AMP sequence variant interpretation guidelines (Richards et al. 2015 PMID: 25741868, with internal and published modifications).